The following is an entry in ClinVar:

NM_000179.3(MSH6):c.3801+3_3801+6dup

Gene: MSH6 (mutS homolog 6; plus strand). Cytogenetic location: 2p16.3.
Variant type: Duplication.
Coding change: c.3801+3_3801+6dup on transcript NM_000179.3 (MANE Select); bases 3 to 6 of the intron after coding-DNA position 3801, 4 bases duplicated (ATGT; older notation c.3801+3_3801+6dupATGT).
Molecular consequence: splice donor variant.
Genome position (GRCh38, 1-based): chr2:47,806,361-47,806,364, ATGT duplicated; duplicating any 4 consecutive bases within chr2:47,806,359-47,806,364 gives the same sequence; the c. name uses the placement nearest the transcript's 3' end. VCF-style (leftmost placement, unchanged base first): chr2-47806358-G-GGTAT. GRCh37 (hg19) VCF-style: chr2-48033497-G-GGTAT.
Other names: c.3801+3_3801+6dup (NM_001406809.1, NM_001406796.1, NM_001406808.1 and 1 more transcripts); c.2895+3_2895+6dup (NM_001406811.1, NM_001406814.1, NM_001281493.2 and 6 more transcripts); c.3504+3_3504+6dup (NM_001406805.1, NM_001406797.1, NM_001406801.1 and 10 more transcripts); c.3897+3_3897+6dup (NM_001406795.1, NM_001406802.1); c.3807+3_3807+6dup (NM_001406813.1); c.3276+3_3276+6dup (NM_001406807.1, NM_001406799.1, NM_001406806.1); c.3627+3_3627+6dup (NM_001406798.1); c.2937+3_2937+6dup (NM_001406803.1); and 7 more.
Identifiers: ClinVar variation 3017052 (VCV003017052.4), dbSNP rs1309590896, ClinGen allele CA532705492.
Genomic context (GRCh38, chr2:47,806,358, plus strand): 5'-TCACTACCATTCATTAGTAGAAGATTATTCTCAAAATGTTGCTGTGCGCCTAGGACATAT[G>GGTAT]GTATGTGCAAATTGTTTTTTTCCACAAATTCGGTTTTTTGAGAGGGCACTTCTCTTGCTA-3'

ClinVar aggregate classification (germline): Likely benign. Review status: criteria provided, multiple submitters, no conflicts (2 of 4 stars). 2 submissions from 2 submitters: Likely benign (2). Last evaluated 2025-01-08.

Conditions:
Lynch syndrome 5 (LYNCH5). Also called: Hereditary non-polyposis colorectal cancer, type 5; Colorectal cancer, hereditary nonpolyposis, type 5. Identifiers: Orphanet 144, MedGen C1833477, MONDO:0013710, OMIM 614350. Disease mechanism: loss of function.
Hereditary nonpolyposis colorectal neoplasms. Identifiers: MedGen C0009405, MeSH D003123.

Submissions (2):

Myriad Genetics, Inc.
Classification: Likely benign for Lynch syndrome 5. Last evaluated: 2025-01-08. Review status: criteria provided, single submitter. Criteria: Myriad Autosomal Dominant, Autosomal Recessive and X-Linked Classification Criteria (2023). Collection method: clinical testing. Allele origin: unknown.
Comment: This variant is considered likely benign. This variant is intronic and is not expected to impact mRNA splicing.

Labcorp Genetics (formerly Invitae), Labcorp
Classification: Likely benign for Hereditary nonpolyposis colorectal neoplasms. Last evaluated: 2024-05-22. Review status: criteria provided, single submitter. Criteria: Invitae Variant Classification Sherloc (09022015). Collection method: clinical testing. Allele origin: germline.